The following is an entry in ClinVar:

NM_003560.4(PLA2G6):c.402C>T (p.Cys134=)

Gene: PLA2G6 (phospholipase A2 group VI; minus strand). Cytogenetic location: 22q13.1.
Variant type: single nucleotide variant.
Coding change: c.402C>T on transcript NM_003560.4 (MANE Select); coding-DNA position 402, C replaced by T.
Protein change: p.Cys134=; no amino-acid change (cysteine 134 retained).
Molecular consequence: synonymous variant. On other transcripts: 5 prime UTR variant (3).
Genome position (GRCh38, 1-based): chr22:38,145,461, G>A on the plus strand (C>T on the coding strand, the complement: PLA2G6 is on the minus strand). VCF-style: chr22-38145461-G-A. GRCh37 (hg19) VCF-style: chr22-38541468-G-A.
Other names: c.402C>T, p.Cys134= (NM_001004426.3, NM_001199562.3, NM_001349864.2 and 2 more transcripts); c.-133C>T (NM_001349867.2, NM_001349869.2); c.-89C>T (NM_001349868.2); c.402C>T (NM_003560.2).
Identifiers: ClinVar variation 1572405 (VCV001572405.10), dbSNP rs200522242, ClinGen allele CA10231281.
Genomic context (GRCh38, chr22:38,145,461, plus strand): 5'-ACACACGTTGTCCAAATGGTCTTGTTCCCTTGCTCACCTGATGATACGGCTGTGATGGAA[G>A]CACTCGCGGATCCCTAGCTCCACAGCCAGGTGGGCCACTGACCAGCTGGGGTGGTTACGG-3'
Protein context (NP_003551.2, residues 124-144): HLAVELGIRE[Cys134=]FHHSRIISCA

ClinVar aggregate classification (germline): Benign. Review status: criteria provided, single submitter (1 of 4 stars). 2 submissions from 2 submitters: Benign (1). 1 of the submissions does not count toward it. Last evaluated 2026-01-19.

Conditions:
Infantile neuroaxonal dystrophy (NBIA2A). Also called: NEURODEGENERATION WITH BRAIN IRON ACCUMULATION 2A; SEITELBERGER DISEASE; Infantile neuroaxonal dystrophy 1. Identifiers: Orphanet 35069, MedGen C0270724, MONDO:0024457, OMIM 256600.
PLA2G6-related disorder. Also called: PLA2G6-related condition.

Allele frequency attached by ClinVar (database versions not stated): TOPMed 0.00006; gnomAD exomes 0.00014; ExAC 0.00023; gnomAD 0.00011 and 0.00008; 1000 Genomes Project 30x 0.00031; 1000 Genomes Project 0.00040.
gnomAD v4.1: 61 of 1,609,734 alleles (0.0038%); highest among the groups gnomAD compares: East Asian, 0.12%; no homozygotes.

Submissions (2):

Labcorp Genetics (formerly Invitae), Labcorp
Classification: Benign for Infantile neuroaxonal dystrophy. Last evaluated: 2026-01-19. Review status: criteria provided, single submitter. Criteria: Invitae Variant Classification Sherloc (09022015). Collection method: clinical testing. Allele origin: germline.

PreventionGenetics, part of Exact Sciences
Classification: Likely benign for PLA2G6-related condition. Last evaluated: 2019-07-12. Review status: no assertion criteria provided. Collection method: clinical testing. Allele origin: germline. Not counted in ClinVar's aggregate classification.
Comment: This variant is classified as likely benign based on ACMG/AMP sequence variant interpretation guidelines (Richards et al. 2015 PMID: 25741868, with internal and published modifications).